The following is an entry in ClinVar:

NM_002878.4(RAD51D):c.508del (p.Val170fs)

Genes: RAD51L3-RFFL (RAD51L3-RFFL readthrough; minus strand), RAD51D (RAD51 paralog D; minus strand). Cytogenetic location: 17q12.
Variant type: Deletion.
Coding change: c.508del on transcript NM_002878.4 (MANE Select); coding-DNA position 508, one base deleted (G; older notation c.508delG).
Protein change: p.Val170fs; shifts the reading frame from valine 170.
Molecular consequence: frameshift variant. On other transcripts: non-coding transcript variant (3).
Genome position (GRCh38, 1-based): chr17:35,106,454, C deleted on the plus strand (G on the coding strand, the reverse complement: RAD51D is on the minus strand); the first of 2 consecutive C bases (chr17:35,106,454-35,106,455); deleting either gives the same sequence. VCF-style (leftmost placement, unchanged base first): chr17-35106453-AC-A. GRCh37 (hg19) VCF-style: chr17-33433472-AC-A.
Other names: c.568del, p.Val190fs (NM_001142571.2); c.172del, p.Val58fs (NM_133629.3); short protein forms V190fs, V58fs, V170fs.
Identifiers: ClinVar variation 628933 (VCV000628933.4), dbSNP rs1567727934, ClinGen allele CA913188803.
Genomic context (GRCh38, chr17:35,106,453, plus strand): 5'-GCCACAGTGCCTCGGAGCTCCTGCAGCACATCCAGCATCTGGAAGATGTCAAATGCATGC[AC>A]CACCTGGATCCTCCGGAGAGCTTCTGCCTGAAGCGGTGGAAAAGAAAAGCAAGGACTTTG-3'

ClinVar aggregate classification (germline): Pathogenic (1 of 4 stars; one submission).

Conditions:
Hereditary cancer-predisposing syndrome. Also called: Neoplastic Syndromes, Hereditary; Tumor predisposition; Hereditary neoplastic syndrome; Hereditary Cancer Syndrome. Identifiers: Orphanet 140162, MedGen C0027672, MeSH D009386, MONDO:0015356.

Submission:

Color Diagnostics, LLC DBA Color Health
Classification: Pathogenic for Hereditary cancer-predisposing syndrome. Last evaluated: 2020-01-15. Review status: criteria provided, single submitter. Criteria: ACMG Guidelines, 2015. Collection method: clinical testing. Allele origin: germline.
Comment: This variant deletes 1 nucleotide in exon 6 of the RAD51D gene, creating a frameshift and premature translation stop signal. This variant is expected to result in an absent or non-functional protein product. This variant has not been identified in the general population by the Genome Aggregation Database (gnomAD). Loss of RAD51D function is a known mechanism of disease. Based on the available evidence, this variant is classified as Pathogenic.